The following is an entry in ClinVar:

NM_133433.4(NIPBL):c.3284A>C (p.Asp1095Ala)

Gene: NIPBL (NIPBL cohesin loading factor; plus strand). Cytogenetic location: 5p13.2.
Variant type: single nucleotide variant.
Coding change: c.3284A>C on transcript NM_133433.4 (MANE Select); coding-DNA position 3284, A replaced by C.
Protein change: p.Asp1095Ala; replaces aspartic acid 1095 with alanine.
Molecular consequence: missense variant.
Genome position (GRCh38, 1-based): chr5:36,995,784, A>C. VCF-style: chr5-36995784-A-C. GRCh37 (hg19) VCF-style: chr5-36995886-A-C.
Other names: c.3284A>C, p.Asp1095Ala (NM_015384.5); short protein forms D1095A.
Identifiers: ClinVar variation 3004351 (VCV003004351.3), dbSNP rs1746075684, ClinGen allele CA359514269.

ClinVar aggregate classification (germline): Uncertain significance (1 of 4 stars; one submission).

Conditions:
Cornelia de Lange syndrome 1 (CDLS1). Also called: TYPUS DEGENERATIVUS AMSTELODAMENSIS; Brachmann de Lange syndrome; NIPBL-Related Cornelia de Lange Syndrome. Identifiers: Orphanet 199, MedGen C4551851, MONDO:0007387, OMIM 122470.

Allele frequency attached by ClinVar (database versions not stated): gnomAD 0.00001.
gnomAD v4.1: 1 of 1,613,288 alleles (0.000062%); highest among the groups gnomAD compares: Admixed American, 0.0017%; no homozygotes.

Submission:

Labcorp Genetics (formerly Invitae), Labcorp
Classification: Uncertain significance for Cornelia de Lange syndrome 1. Last evaluated: 2024-05-08. Review status: criteria provided, single submitter. Criteria: Invitae Variant Classification Sherloc (09022015). Collection method: clinical testing. Allele origin: germline.
Comment: This sequence change replaces aspartic acid, which is acidic and polar, with alanine, which is neutral and non-polar, at codon 1095 of the NIPBL protein (p.Asp1095Ala). This variant is not present in population databases (gnomAD no frequency). This variant has not been reported in the literature in individuals affected with NIPBL-related conditions. Advanced modeling of protein sequence and biophysical properties (such as structural, functional, and spatial information, amino acid conservation, physicochemical variation, residue mobility, and thermodynamic stability) performed at Invitae indicates that this missense variant is not expected to disrupt NIPBL protein function with a negative predictive value of 95%. In summary, the available evidence is currently insufficient to determine the role of this variant in disease. Therefore, it has been classified as a Variant of Uncertain Significance.